The following is an entry in ClinVar:

NM_015178.3(RHOBTB2):c.1104C>T (p.Asp368=)

Gene: RHOBTB2 (Rho related BTB domain containing 2; plus strand). Cytogenetic location: 8p21.3.
Variant type: single nucleotide variant.
Coding change: c.1104C>T on transcript NM_015178.3 (MANE Select); coding-DNA position 1104, C replaced by T.
Protein change: p.Asp368=; no amino-acid change (aspartic acid 368 retained).
Molecular consequence: synonymous variant.
Genome position (GRCh38, 1-based): chr8:23,007,349, C>T. VCF-style: chr8-23007349-C-T. GRCh37 (hg19) VCF-style: chr8-22864862-C-T.
Other names: c.1170C>T, p.Asp390= (NM_001160036.2); c.1125C>T, p.Asp375= (NM_001160037.2); c.1104C>T, p.Asp368= (NM_001374791.1).
Identifiers: ClinVar variation 2096168 (VCV002096168.10), dbSNP rs747030867, ClinGen allele CA4672605.

ClinVar aggregate classification (germline): Likely benign. Review status: criteria provided, multiple submitters, no conflicts (2 of 4 stars). 2 submissions from 2 submitters: Likely benign (2). Last evaluated 2025-11-01.

Allele frequency attached by ClinVar (database versions not stated): ExAC 0.00001; gnomAD exomes 0.00001; gnomAD 0.00004.
gnomAD v4.1: 24 of 1,613,478 alleles (0.0015%); highest among the groups gnomAD compares: African/African-American, 0.004%; no homozygotes.

Submissions (2):

CeGaT Center for Human Genetics Tuebingen
Classification: Likely benign. Last evaluated: 2025-11-01. Review status: criteria provided, single submitter. Criteria: CeGaT Center For Human Genetics Tuebingen Variant Classification Criteria Version 2. Collection method: clinical testing. Allele origin: germline. Affected: yes. Observed: 1 variant allele.
Comment: RHOBTB2: BP4, BP7

Labcorp Genetics (formerly Invitae), Labcorp
Classification: Likely benign. Last evaluated: 2025-07-13. Review status: criteria provided, single submitter. Criteria: Invitae Variant Classification Sherloc (09022015). Collection method: clinical testing. Allele origin: germline.